The following is an entry in ClinVar:

ClinVar aggregate classification (germline): Uncertain significance (1 of 4 stars; one submission).

Conditions:
Noonan syndrome 9 (NS9). Identifiers: Orphanet 648, MedGen C4225282, MONDO:0014691, OMIM 616559.

Submission:

Labcorp Genetics (formerly Invitae), Labcorp
Classification: Uncertain significance for Noonan syndrome 9. Last evaluated: 2022-09-07. Review status: criteria provided, single submitter. Criteria: Invitae Variant Classification Sherloc (09022015). Collection method: clinical testing. Allele origin: germline.
Comment: This sequence change falls in intron 17 of the SOS2 gene. It does not directly change the encoded amino acid sequence of the SOS2 protein. Information on the frequency of this variant in the gnomAD database is not available, as this variant may be reported differently in the database. This variant has not been reported in the literature in individuals affected with SOS2-related conditions. Experimental studies and prediction algorithms are not available or were not evaluated, and the functional significance of this variant is currently unknown. In summary, the available evidence is currently insufficient to determine the role of this variant in disease. Therefore, it has been classified as a Variant of Uncertain Significance.

NM_006939.4(SOS2):c.2785+18_2785+19delinsTT

Gene: SOS2 (SOS Ras/Rho guanine nucleotide exchange factor 2; minus strand). Cytogenetic location: 14q21.3.
Variant type: Indel.
Coding change: c.2785+18_2785+19delinsTT on transcript NM_006939.4 (MANE Select); bases 18 to 19 of the intron after coding-DNA position 2785, GA replaced by TT.
Molecular consequence: intron variant.
Genome position (GRCh38, 1-based): chr14:50,139,923-50,139,924, TC replaced by AA on the plus strand (GA replaced by TT on the coding strand, the reverse complement: SOS2 is on the minus strand). VCF-style: chr14-50139923-TC-AA. GRCh37 (hg19) VCF-style: chr14-50606641-TC-AA.
Identifiers: ClinVar variation 1994721 (VCV001994721.4), dbSNP rs2502885428, ClinGen allele CA2580088189.
Genomic context (GRCh38, chr14:50,139,923, plus strand): 5'-GATAACATGCCTCTGAAGACTGCTCTCTTTTGGCTATCACACGCTCACCCTCAAAATATA[TC>AA]CATATTTAGTAACTTACCAAAAAAAGGCACACAAGGTGGATTGATTGACTTAAGTTTTAC-3'